The following is an entry in ClinVar:

ClinVar aggregate classification (germline): Likely pathogenic (1 of 4 stars; one submission).

Conditions:
Frontometaphyseal dysplasia 1 (FMD1). Also called: Frontometaphyseal Dysplasia (FLNA-FMD). Identifiers: Orphanet 1826, MedGen C4281559, MONDO:0024550, OMIM 305620.

Submission:

Greenwood Genetic Center Diagnostic Laboratories, Greenwood Genetic Center
Classification: Likely pathogenic for Frontometaphyseal dysplasia 1. Last evaluated: 2023-10-02. Review status: criteria provided, single submitter. Criteria: ACMG Guidelines, 2015. Collection method: clinical testing. Allele origin: germline. Affected: yes.
Comment: PS2, PM2, PP2, PP3

NM_001110556.2(FLNA):c.7732T>C (p.Phe2578Leu)

Genes: FLNA (filamin A; minus strand), LOC107988032 (Xq28 proximal FLNA-EMD recombination region; plus strand). Cytogenetic location: Xq28.
Variant type: single nucleotide variant.
Coding change: c.7732T>C on transcript NM_001110556.2 (MANE Select); coding-DNA position 7732, T replaced by C.
Protein change: p.Phe2578Leu; replaces phenylalanine 2578 with leucine.
Molecular consequence: missense variant.
Genome position (GRCh38, 1-based): chrX:154,349,386, A>G on the plus strand (T>C on the coding strand, the complement: FLNA is on the minus strand). VCF-style: chrX-154349386-A-G. GRCh37 (hg19) VCF-style: chrX-153577754-A-G.
Other names: c.7708T>C, p.Phe2570Leu (NM_001456.4); short protein forms F2570L, F2578L.
Identifiers: ClinVar variation 2692562 (VCV002692562.1), dbSNP rs2522712579, ClinGen allele CA415179415.